The following is an entry in ClinVar:

NM_020812.4(DOCK6):c.5949T>C (p.Asp1983=)

Gene: DOCK6 (dedicator of cytokinesis 6; minus strand). Cytogenetic location: 19p13.2.
Variant type: single nucleotide variant.
Coding change: c.5949T>C on transcript NM_020812.4 (MANE Select); coding-DNA position 5949, T replaced by C.
Protein change: p.Asp1983=; no amino-acid change (aspartic acid 1983 retained).
Molecular consequence: synonymous variant.
Genome position (GRCh38, 1-based): chr19:11,200,460, A>G on the plus strand (T>C on the coding strand, the complement: DOCK6 is on the minus strand). VCF-style: chr19-11200460-A-G. GRCh37 (hg19) VCF-style: chr19-11311136-A-G.
Other names: c.6054T>C, p.Asp2018= (NM_001367830.1).
Identifiers: ClinVar variation 713539 (VCV000713539.17), dbSNP rs370576494, ClinGen allele CA9206270.

ClinVar aggregate classification (germline): Benign/Likely benign. Review status: criteria provided, multiple submitters, no conflicts (2 of 4 stars). 3 submissions from 3 submitters: Benign (1); Likely benign (2). Last evaluated 2026-01-26.

Allele frequency attached by ClinVar (database versions not stated): gnomAD 0.00030 and 0.00031; TOPMed 0.00033; 1000 Genomes Project 30x 0.00156; 1000 Genomes Project 0.00180.
gnomAD v4.1: 237 of 1,610,600 alleles (0.015%); highest among the groups gnomAD compares: East Asian, 0.24%; 3 homozygotes.

Submissions (3):

Labcorp Genetics (formerly Invitae), Labcorp
Classification: Benign. Last evaluated: 2026-01-26. Review status: criteria provided, single submitter. Criteria: Invitae Variant Classification Sherloc (09022015). Collection method: clinical testing. Allele origin: germline.

CeGaT Center for Human Genetics Tuebingen
Classification: Likely benign. Last evaluated: 2025-10-01. Review status: criteria provided, single submitter. Criteria: CeGaT Center For Human Genetics Tuebingen Variant Classification Criteria Version 2. Collection method: clinical testing. Allele origin: germline. Affected: yes. Observed: 1 variant allele.
Comment: DOCK6: BP4, BP7

Blueprint Genetics
Classification: Likely benign. Last evaluated: 2024-11-25. Review status: criteria provided, single submitter. Criteria: ACMG Guidelines, 2015. Collection method: clinical testing. Allele origin: germline.